The following is an entry in ClinVar:

NM_001127222.2(CACNA1A):c.3256G>C (p.Gly1086Arg)

Gene: CACNA1A (calcium voltage-gated channel subunit alpha1 A; minus strand). Cytogenetic location: 19p13.13.
Variant type: single nucleotide variant.
Coding change: c.3256G>C on transcript NM_001127222.2 (MANE Select); coding-DNA position 3256, G replaced by C.
Protein change: p.Gly1086Arg; replaces glycine 1086 with arginine.
Molecular consequence: missense variant.
Genome position (GRCh38, 1-based): chr19:13,286,800, C>G on the plus strand (G>C on the coding strand, the complement: CACNA1A is on the minus strand). VCF-style: chr19-13286800-C-G. GRCh37 (hg19) VCF-style: chr19-13397614-C-G.
Other names: c.3268G>C, p.Gly1090Arg (NM_023035.3, NM_000068.4); c.3259G>C, p.Gly1087Arg (NM_001127221.2, NM_001174080.2); short protein forms G1086R, G1087R, G1090R.
Identifiers: ClinVar variation 4539863 (VCV004539863.1).

ClinVar aggregate classification (germline): Uncertain significance (1 of 4 stars; one submission).

Submission:

GeneDx
Classification: Uncertain significance. Last evaluated: 2025-06-25. Review status: criteria provided, single submitter. Criteria: GeneDx Variant Classification Process June 2021. Collection method: clinical testing. Allele origin: germline. Affected: yes.
Comment: Not observed at significant frequency in large population cohorts (gnomAD); In silico analysis supports that this missense variant has a deleterious effect on protein structure/function; Has not been previously published as pathogenic or benign to our knowledge